The following is an entry in ClinVar:

ClinVar aggregate classification (germline): Uncertain significance. Review status: criteria provided, single submitter (1 of 4 stars). 2 submissions from 2 submitters: Uncertain significance (1). 1 of the submissions does not count toward it. Last evaluated 2022-03-09.

Conditions:
TRIM32-related disorder. Also called: TRIM32-related condition.
Bardet-Biedl syndrome (BBS). Identifiers: Orphanet 110, MedGen C0752166, MONDO:0015229.

gnomAD v4.1: 6 of 1,614,098 alleles (0.00037%); highest among the groups gnomAD compares: South Asian, 0.0044%; no homozygotes.

Submissions (2):

Labcorp Genetics (formerly Invitae), Labcorp
Classification: Uncertain significance for Bardet-Biedl syndrome. Last evaluated: 2022-03-09. Review status: criteria provided, single submitter. Criteria: Invitae Variant Classification Sherloc (09022015). Collection method: clinical testing. Allele origin: germline.
Comment: This sequence change replaces arginine, which is basic and polar, with leucine, which is neutral and non-polar, at codon 586 of the TRIM32 protein (p.Arg586Leu). This variant is not present in population databases (gnomAD no frequency). This variant has not been reported in the literature in individuals affected with TRIM32-related conditions. ClinVar contains an entry for this variant (Variation ID: 648839). Algorithms developed to predict the effect of missense changes on protein structure and function (SIFT, PolyPhen-2, Align-GVGD) all suggest that this variant is likely to be tolerated. In summary, the available evidence is currently insufficient to determine the role of this variant in disease. Therefore, it has been classified as a Variant of Uncertain Significance.

PreventionGenetics, part of Exact Sciences
Classification: Uncertain significance for TRIM32-related condition. Last evaluated: 2024-09-11. Review status: no assertion criteria provided. Collection method: clinical testing. Allele origin: germline. Not counted in ClinVar's aggregate classification.
Comment: The TRIM32 c.1757G>T variant is predicted to result in the amino acid substitution p.Arg586Leu. To our knowledge, this variant has not been reported in the literature or in a large population database, indicating this variant is rare. At this time, the clinical significance of this variant is uncertain due to the absence of conclusive functional and genetic evidence.

NM_012210.4(TRIM32):c.1757G>T (p.Arg586Leu)

Genes: ASTN2 (astrotactin 2; minus strand), TRIM32 (tripartite motif containing 32; plus strand). Cytogenetic location: 9q33.1.
Variant type: single nucleotide variant.
Coding change: c.1757G>T on transcript NM_012210.4 (MANE Select); coding-DNA position 1757, G replaced by T.
Protein change: p.Arg586Leu; replaces arginine 586 with leucine.
Molecular consequence: missense variant. On other transcripts: intron variant (3).
Genome position (GRCh38, 1-based): chr9:116,699,499, G>T. VCF-style: chr9-116699499-G-T. GRCh37 (hg19) VCF-style: chr9-119461778-G-T.
Other names: c.1757G>T, p.Arg586Leu (NM_001099679.2, NM_001379048.1, NM_001379049.1 and 1 more transcripts); c.2653+26272C>A (NM_014010.5); c.2794+26272C>A (NM_001365069.1); c.2806+26272C>A (NM_001365068.1); short protein forms R586L.
Identifiers: ClinVar variation 648839 (VCV000648839.9), dbSNP rs866695848, ClinGen allele CA374652381.